The following is an entry in ClinVar:

ClinVar aggregate classification (germline): Uncertain significance (1 of 4 stars; one submission).

Conditions:
SKIC2-related disorder. Also called: SKIC2-related condition.

Submission:

PreventionGenetics, part of Exact Sciences
Classification: Uncertain significance for SKIC2-related condition. Last evaluated: 2022-10-05. Review status: criteria provided, single submitter. Criteria: ACMG Guidelines, 2015. Collection method: clinical testing. Allele origin: germline.
Comment: The SKIC2 c.3458G>A variant is predicted to result in the amino acid substitution p.Gly1153Asp. To our knowledge, this variant has not been reported in the literature or in a large population database, indicating this variant is rare. At this time, the clinical significance of this variant is uncertain due to the absence of conclusive functional and genetic evidence.

NM_006929.5(SKIC2):c.3458G>A (p.Gly1153Asp)

Gene: SKIC2 (SKI2 subunit of superkiller complex; plus strand). Cytogenetic location: 6p21.33.
Variant type: single nucleotide variant.
Coding change: c.3458G>A on transcript NM_006929.5 (MANE Select); coding-DNA position 3458, G replaced by A.
Protein change: p.Gly1153Asp; replaces glycine 1153 with aspartic acid.
Molecular consequence: missense variant.
Genome position (GRCh38, 1-based): chr6:31,969,338, G>A. VCF-style: chr6-31969338-G-A. GRCh37 (hg19) VCF-style: chr6-31937115-G-A.
Other names: short protein forms G1153D.
Identifiers: ClinVar variation 2637258 (VCV002637258.1), dbSNP rs2483008160, ClinGen allele CA363489815.